The following is an entry in ClinVar:

NM_183075.3(CYP2U1):c.360C>G (p.Phe120Leu)

Genes: CYP2U1 (cytochrome P450 family 2 subfamily U member 1; plus strand), CYP2U1-AS1 (CYP2U1 and SGMS2 antisense RNA 1; minus strand). Cytogenetic location: 4q25.
Variant type: single nucleotide variant.
Coding change: c.360C>G on transcript NM_183075.3 (MANE Select); coding-DNA position 360, C replaced by G.
Protein change: p.Phe120Leu; replaces phenylalanine 120 with leucine.
Molecular consequence: missense variant. On other transcripts: non-coding transcript variant (1).
Genome position (GRCh38, 1-based): chr4:107,932,003, C>G. VCF-style: chr4-107932003-C-G. GRCh37 (hg19) VCF-style: chr4-108853159-C-G.
Other names: short protein forms F120L.
Identifiers: ClinVar variation 1344272 (VCV001344272.4), dbSNP rs753662731, ClinGen allele CA3036976.

ClinVar aggregate classification (germline): Uncertain significance. Review status: criteria provided, multiple submitters, no conflicts (2 of 4 stars). 2 submissions from 2 submitters: Uncertain significance (2). Last evaluated 2025-03-16.

Conditions:
Spastic paraplegia. Identifiers: MedGen C0037772, HP:0001258.
Hereditary spastic paraplegia. Also called: Familial spastic paraparesis. Identifiers: Orphanet 685, MedGen C0037773, MONDO:0019064. Disease mechanism: loss of function.

Allele frequency attached by ClinVar (database versions not stated): TOPMed 0.00001; gnomAD 0.00003; gnomAD exomes 0.00004; ExAC 0.00005.
gnomAD v4.1: 31 of 1,556,350 alleles (0.002%); highest among the groups gnomAD compares: Non-Finnish European, 0.0023%; no homozygotes.

Submissions (2):

Labcorp Genetics (formerly Invitae), Labcorp
Classification: Uncertain significance for Spastic paraplegia. Last evaluated: 2025-03-16. Review status: criteria provided, single submitter. Criteria: Invitae Variant Classification Sherloc (09022015). Collection method: clinical testing. Allele origin: germline.
Comment: This sequence change replaces phenylalanine, which is neutral and non-polar, with leucine, which is neutral and non-polar, at codon 120 of the CYP2U1 protein (p.Phe120Leu). This variant is present in population databases (rs753662731, gnomAD 0.01%). This variant has not been reported in the literature in individuals affected with CYP2U1-related conditions. ClinVar contains an entry for this variant (Variation ID: 1344272). Invitae Evidence Modeling of protein sequence and biophysical properties (such as structural, functional, and spatial information, amino acid conservation, physicochemical variation, residue mobility, and thermodynamic stability) indicates that this missense variant is not expected to disrupt CYP2U1 protein function with a negative predictive value of 95%. In summary, the available evidence is currently insufficient to determine the role of this variant in disease. Therefore, it has been classified as a Variant of Uncertain Significance.

Genome Diagnostics Laboratory, The Hospital for Sick Children
Classification: Uncertain significance for Hereditary spastic paraplegia. Last evaluated: 2019-01-01. Review status: criteria provided, single submitter. Criteria: ACMG Guidelines, 2015. Collection method: clinical testing. Allele origin: germline. Affected: yes.